The following is an entry in ClinVar:

ClinVar aggregate classification (germline): Conflicting classifications of pathogenicity. Review status: criteria provided, conflicting classifications (1 of 4 stars). 3 submissions from 3 submitters: Uncertain significance (1); Likely benign (2). Last evaluated 2025-12-01.

Conditions:
Developmental and epileptic encephalopathy, 42 (DEE42A). Also called: Epileptic encephalopathy, early infantile, 42; DEVELOPMENTAL AND EPILEPTIC ENCEPHALOPATHY 42A; EPILEPTIC ENCEPHALOPATHY, EARLY INFANTILE, 42A. Identifiers: MedGen C4310716, MONDO:0014917, OMIM 617106.
Episodic ataxia type 2 (EA2). Also called: ATAXIA, EPISODIC, WITH NYSTAGMUS; ATAXIA, FAMILIAL PAROXYSMAL; CEREBELLAR ATAXIA, PAROXYSMAL, ACETAZOLAMIDE-RESPONSIVE; CEREBELLOPATHY, HEREDITARY PAROXYSMAL; ACETAZOLAMIDE-RESPONSIVE HEREDITARY PAROXYSMAL CEREBELLAR ATAXIA; EPISODIC ATAXIA, NYSTAGMUS-ASSOCIATED. Identifiers: Orphanet 97, MedGen C1720416, MONDO:0007163, OMIM 108500.

Allele frequency attached by ClinVar (database versions not stated): ExAC 0.00001; gnomAD 0.00001; gnomAD exomes 0.00001; TOPMed 0.00001; ESP Exome Variant Server 0.00008.
gnomAD v4.1: 17 of 1,613,794 alleles (0.0011%); highest among the groups gnomAD compares: Middle Eastern, 0.016%; no homozygotes.

Submissions (3):

CeGaT Center for Human Genetics Tuebingen
Classification: Likely benign. Last evaluated: 2025-12-01. Review status: criteria provided, single submitter. Criteria: CeGaT Center For Human Genetics Tuebingen Variant Classification Criteria Version 2. Collection method: clinical testing. Allele origin: germline. Affected: yes. Observed: 1 variant allele.
Comment: CACNA1A: BP4

Athena Diagnostics
Classification: Uncertain significance. Last evaluated: 2025-06-10. Review status: criteria provided, single submitter. Criteria: Athena Diagnostics Criteria. Collection method: clinical testing. Allele origin: unknown.
Comment: Available data are insufficient to determine the clinical significance of the variant at this time. The frequency of this variant in the general population is uninformative in assessment of its pathogenicity. Polyphen and MutationTaster predict this amino acid change may be benign.

Labcorp Genetics (formerly Invitae), Labcorp
Classification: Likely benign for Developmental and epileptic encephalopathy, 42; Episodic ataxia type 2. Last evaluated: 2024-11-06. Review status: criteria provided, single submitter. Criteria: Invitae Variant Classification Sherloc (09022015). Collection method: clinical testing. Allele origin: germline.

NM_001127222.2(CACNA1A):c.6232A>G (p.Ser2078Gly)

Gene: CACNA1A (calcium voltage-gated channel subunit alpha1 A; minus strand). Cytogenetic location: 19p13.13.
Variant type: single nucleotide variant.
Coding change: c.6232A>G on transcript NM_001127222.2 (MANE Select); coding-DNA position 6232, A replaced by G.
Protein change: p.Ser2078Gly; replaces serine 2078 with glycine.
Molecular consequence: missense variant.
Genome position (GRCh38, 1-based): chr19:13,212,174, T>C on the plus strand (A>G on the coding strand, the complement: CACNA1A is on the minus strand). VCF-style: chr19-13212174-T-C. GRCh37 (hg19) VCF-style: chr19-13322988-T-C.
Other names: c.6250A>G, p.Ser2084Gly (NM_000068.4, NM_023035.3); c.6235A>G, p.Ser2079Gly (NM_001127221.2); c.6241A>G, p.Ser2081Gly (NM_001174080.2); c.6235A>G (NM_000068.2); short protein forms S2081G, S2079G, S2078G, S2084G.
Identifiers: ClinVar variation 2052250 (VCV002052250.10), dbSNP rs374905727, ClinGen allele CA9239423.